The following is an entry in ClinVar:

ClinVar aggregate classification (germline): Pathogenic/Likely pathogenic. Review status: criteria provided, multiple submitters, no conflicts (2 of 4 stars). 3 submissions from 3 submitters: Pathogenic (1); Likely pathogenic (2). Last evaluated 2024-06-14.

Conditions:
Phenylketonuria (PKU). Also called: OLIGOPHRENIA PHENYLPYRUVICA; Phenylketonurias; Phenylketonuria (PKU); FOLLING DISEASE. Identifiers: Orphanet 716, MedGen C0031485, MONDO:0009861, OMIM 261600. Disease mechanism: loss of function.
PAH-related disorder. Also called: PAH-related condition.
Inborn genetic diseases. Identifiers: MedGen C0950123, MeSH D030342.

Allele frequency attached by ClinVar (database versions not stated): TOPMed 0.00002; gnomAD exomes below 0.00001; gnomAD 0.00001.
gnomAD v4.1: 5 of 1,613,936 alleles (0.00031%); highest among the groups gnomAD compares: African/African-American, 0.0067%; no homozygotes.

Submissions (3):

Ambry Genetics
Classification: Likely pathogenic for Inborn genetic diseases. Last evaluated: 2024-06-14. Review status: criteria provided, single submitter. Criteria: Ambry Variant Classification Scheme 2023. Collection method: clinical testing. Allele origin: germline.
Comment: The c.1258A>G (p.R420G) alteration is located in exon 12 (coding exon 12) of the PAH gene. This alteration results from a A to G substitution at nucleotide position 1258, causing the arginine (R) at amino acid position 420 to be replaced by a glycine (G). Based on data from gnomAD, the G allele has an overall frequency of 0.001% (3/282856) total alleles studied. The highest observed frequency was 0.012% (3/24970) of African alleles. This variant has been identified in conjunction with another PAH variant in an individual with a positive newborn screen and elevated phenylalanine on confirmatory plasma amino acid testing (External communication). Another alteration at the same codon, c.1259G>T (p.R420M), has been detected in individuals with hyperphenylalaninemia (Ald&aacute;miz-Echevarr&iacute;a, 2016; Mart&iacute;n-Rivada, 2022). This amino acid position is not well conserved in available vertebrate species. This alteration is predicted to be deleterious by in silico analysis. Based on the available evidence, this alteration is classified as likely pathogenic.

Labcorp Genetics (formerly Invitae), Labcorp
Classification: Pathogenic for Phenylketonuria. Last evaluated: 2023-02-23. Review status: criteria provided, single submitter. Criteria: Invitae Variant Classification Sherloc (09022015). Collection method: clinical testing. Allele origin: germline.
Comment: This missense change has been observed in individual(s) with hyperphenylalaninemia (Invitae). In at least one individual the data is consistent with being in trans (on the opposite chromosome) from a pathogenic variant. For these reasons, this variant has been classified as Pathogenic. This variant disrupts the p.Arg420 amino acid residue in PAH. Other variant(s) that disrupt this residue have been determined to be pathogenic (Invitae). This suggests that this residue is clinically significant, and that variants that disrupt this residue are likely to be disease-causing. Advanced modeling of protein sequence and biophysical properties (such as structural, functional, and spatial information, amino acid conservation, physicochemical variation, residue mobility, and thermodynamic stability) performed at Invitae indicates that this missense variant is not expected to disrupt PAH protein function. This variant is present in population databases (no rsID available, gnomAD 0.01%). This sequence change replaces arginine, which is basic and polar, with glycine, which is neutral and non-polar, at codon 420 of the PAH protein (p.Arg420Gly).

Blueprint Genetics
Classification: Likely pathogenic for PAH-related disorders. Last evaluated: 2017-06-06. Review status: criteria provided, single submitter. Criteria: ACMG Guidelines, 2015. Collection method: clinical testing. Allele origin: germline. Affected: yes. Observed: 1 variant allele.

Literature cited by the submitters: PubMed 27121329 (cited by Ambry Genetics); PubMed 35281663 (cited by Ambry Genetics).

NM_000277.3(PAH):c.1258A>G (p.Arg420Gly)

Gene: PAH (phenylalanine hydroxylase; minus strand). Cytogenetic location: 12q23.2.
Variant type: single nucleotide variant.
Coding change: c.1258A>G on transcript NM_000277.3 (MANE Select); coding-DNA position 1258, A replaced by G.
Protein change: p.Arg420Gly; replaces arginine 420 with glycine.
Molecular consequence: missense variant.
Genome position (GRCh38, 1-based): chr12:102,840,457, T>C on the plus strand (A>G on the coding strand, the complement: PAH is on the minus strand). VCF-style: chr12-102840457-T-C. GRCh37 (hg19) VCF-style: chr12-103234235-T-C.
Other names: c.1258A>G, p.Arg420Gly (NM_001354304.2); c.1258A>G (NM_000277.1); short protein forms R420G.
Identifiers: ClinVar variation 2421739 (VCV002421739.8), dbSNP rs1162831467, ClinGen allele CA386493030.